The following is an entry in ClinVar:

ClinVar aggregate classification (germline): Likely benign. Review status: criteria provided, multiple submitters, no conflicts (2 of 4 stars). 2 submissions from 2 submitters: Likely benign (2). Last evaluated 2025-03-31.

Allele frequency attached by ClinVar (database versions not stated): gnomAD 0.00001; TOPMed 0.00002; ExAC 0.00003; ESP Exome Variant Server 0.00019.
gnomAD v4.1: 1 of 1,206,025 alleles (0.000083%); highest among the groups gnomAD compares: African/African-American, 0.0018%; no homozygotes.

Submissions (2):

Labcorp Genetics (formerly Invitae), Labcorp
Classification: Likely benign. Last evaluated: 2025-03-31. Review status: criteria provided, single submitter. Criteria: Invitae Variant Classification Sherloc (09022015). Collection method: clinical testing. Allele origin: germline.

Women's Health and Genetics/Laboratory Corporation of America, LabCorp
Classification: Likely benign. Last evaluated: 2023-08-16. Review status: criteria provided, single submitter. Criteria: LabCorp Variant Classification Summary - May 2015. Collection method: clinical testing. Allele origin: germline.
Comment: Variant summary: HUWE1 c.4461+19A>G alters a non-conserved nucleotide located at a position not widely known to affect splicing. 4/4 computational tools predict no significant impact on normal splicing. However, these predictions have yet to be confirmed by functional studies. The variant allele was found at a frequency of 1.6e-05 in 182610 control chromosomes (gnomAD). The available data on variant occurrences in the general population are insufficient to allow any conclusion about variant significance. To our knowledge, no occurrence of c.4461+19A>G in individuals affected with Intellectual Disability, X-Linked Syndromic, Turner Type and no experimental evidence demonstrating its impact on protein function have been reported. No submitters have cited clinical-significance assessments for this variant to ClinVar after 2014. Based on the evidence outlined above, the variant was classified as likely benign.

NM_031407.7(HUWE1):c.4461+19A>G

Gene: HUWE1 (HECT, UBA and WWE domain containing E3 ubiquitin protein ligase 1; minus strand). Cytogenetic location: Xp11.22.
Variant type: single nucleotide variant.
Coding change: c.4461+19A>G on transcript NM_031407.7 (MANE Select); 19 bases into the intron after coding-DNA position 4461, A replaced by G.
Molecular consequence: intron variant.
Genome position (GRCh38, 1-based): chrX:53,589,528, T>C on the plus strand (A>G on the coding strand, the complement: HUWE1 is on the minus strand). VCF-style: chrX-53589528-T-C. GRCh37 (hg19) VCF-style: chrX-53616488-T-C.
Identifiers: ClinVar variation 2581169 (VCV002581169.2), dbSNP rs374741690, ClinGen allele CA10422407.
Genomic context (GRCh38, chrX:53,589,528, plus strand): 5'-ATTTTTCAGAAATCAGGTTTTGACACAGGCAGGCAAACCACTTCACATACTCCCCTCTTC[T>C]GACCCCTTGAGAGCTCACCTGATTGACTACTTGCTTCAGAATCATGTCACGATAATCTGC-3'